The following is an entry in ClinVar:

NM_007294.4(BRCA1):c.1616_1625del (p.Thr539fs)

Gene: BRCA1 (BRCA1 DNA repair associated; minus strand). Cytogenetic location: 17q21.31.
Variant type: Deletion.
Coding change: c.1616_1625del on transcript NM_007294.4 (MANE Select); coding-DNA positions 1616 to 1625, 10 bases deleted (CGGAGCAGAA; older notation c.1616_1625delCGGAGCAGAA).
Protein change: p.Thr539fs; shifts the reading frame from threonine 539.
Molecular consequence: frameshift variant. On other transcripts: intron variant (137).
Genome position (GRCh38, 1-based): chr17:43,093,906-43,093,915, TTCTGCTCCG deleted on the plus strand (CGGAGCAGAA on the coding strand, the reverse complement: BRCA1 is on the minus strand); deleting any 10 consecutive bases within chr17:43,093,906-43,093,917 gives the same sequence; the c. name uses the placement nearest the transcript's 3' end. VCF-style (leftmost placement, unchanged base first): chr17-43093905-ATTCTGCTCCG-A. GRCh37 (hg19) VCF-style: chr17-41245922-ATTCTGCTCCG-A.
Other names: 1733del10; c.1283_1292del, p.Thr428fs (NM_001407946.1, NM_001407947.1, NM_001407948.1 and 6 more transcripts); c.1280_1289del, p.Thr427fs (NM_001407954.1, NM_001407955.1, NM_001407956.1 and 1 more transcripts); c.1235_1244del, p.Thr412fs (NM_001407959.1, NM_001407960.1, NM_001407963.1); c.1232_1241del, p.Thr411fs (NM_001407962.1); c.1472_1481del, p.Thr491fs (NM_001407964.1, NM_001407740.1, NM_001407741.1 and 20 more transcripts); c.1112_1121del, p.Thr371fs (NM_001407965.1); c.728_737del, p.Thr243fs (NM_001407966.1, NM_001407967.1); and 42 more; short protein forms T492fs, T539fs, T411fs, T468fs, T472fs, T513fs, T469fs, T498fs.
Identifiers: ClinVar variation 266175 (VCV000266175.6), dbSNP rs886039959, ClinGen allele CA10589929.

ClinVar aggregate classification (germline): Pathogenic. Review status: reviewed by expert panel (3 of 4 stars). 2 submissions from 2 submitters: Pathogenic (1). 1 of the submissions does not count toward it. Last evaluated 2016-10-18.

Conditions:
Breast-ovarian cancer, familial, susceptibility to, 1 (BROVCA1). Also called: BRCA1 Hereditary Breast and Ovarian Cancer; OVARIAN CANCER, SUSCEPTIBILITY TO. Identifiers: Orphanet 145, MedGen C2676676, MONDO:0011450, OMIM 604370. Disease mechanism: loss of function.

Submissions (2):

Evidence-based Network for the Interpretation of Germline Mutant Alleles (ENIGMA)
Classification: Pathogenic for Breast-ovarian cancer, familial, susceptibility to, 1. Last evaluated: 2016-10-18. Review status: reviewed by expert panel. Criteria: ENIGMA BRCA1/2 Classification Criteria (2015). Collection method: curation. Allele origin: germline.
Comment: Variant allele predicted to encode a truncated non-functional protein.

Consortium of Investigators of Modifiers of BRCA1/2 (CIMBA), c/o University of Cambridge
Classification: Pathogenic for Breast-ovarian cancer, familial, susceptibility to, 1. Last evaluated: 2015-10-02. Review status: criteria provided, single submitter. Criteria: CIMBA Mutation Classification guidelines May 2016. Collection method: clinical testing. Allele origin: germline. Not counted in ClinVar's aggregate classification.